The following is an entry in ClinVar:

ClinVar aggregate classification (germline): Pathogenic. Review status: criteria provided, multiple submitters, no conflicts (2 of 4 stars). 6 submissions from 6 submitters: Pathogenic (5). 1 of the submissions does not count toward it. Last evaluated 2025-11-02.

Conditions:
Abnormality of the eye. Identifiers: MedGen C4316870, HP:0000478.
ABCC6-related disorder. Also called: ABCC6-related condition.
Autosomal recessive inherited pseudoxanthoma elasticum (PXE). Identifiers: Orphanet 758, MedGen CN032334, MONDO:0009925, OMIM 264800.
Arterial calcification, generalized, of infancy, 2. Identifiers: Orphanet 51608, MedGen C3276161, MONDO:0013768, OMIM 614473.
Pseudoxanthoma elasticum, forme fruste. Also called: Pseudoxanthoma Elasticum, Incomplete; PSEUDOXANTHOMA ELASTICUM, HETEROZYGOUS. Identifiers: Orphanet 758, MedGen C1867450, MONDO:0008333, OMIM 177850.

Allele frequency attached by ClinVar (database versions not stated): TOPMed 0.00001; gnomAD 0.00002 and 0.00003; gnomAD exomes 0.00002 and 0.00003.

Submissions (6):

Labcorp Genetics (formerly Invitae), Labcorp
Classification: Pathogenic. Last evaluated: 2025-11-02. Review status: criteria provided, single submitter. Criteria: Invitae Variant Classification Sherloc (09022015). Collection method: clinical testing. Allele origin: germline.
Comment: This sequence change creates a premature translational stop signal (p.Asp1368Glufs*35) in the ABCC6 gene. It is expected to result in an absent or disrupted protein product. Loss-of-function variants in ABCC6 are known to be pathogenic (PMID: 11536079, 17617515). This variant is present in population databases (rs72664237, gnomAD 0.004%). This premature translational stop signal has been observed in individual(s) with clinical features of pseudoxanthoma elasticum (PMID: 11536079, 31164056). ClinVar contains an entry for this variant (Variation ID: 433350). For these reasons, this variant has been classified as Pathogenic.

Blueprint Genetics
Classification: Pathogenic for ABCC6-related disorders. Last evaluated: 2024-07-05. Review status: criteria provided, single submitter. Criteria: ACMG Guidelines, 2015. Collection method: clinical testing. Allele origin: germline. Affected: yes. Observed: 5 variant alleles.

GeneDx
Classification: Pathogenic. Last evaluated: 2022-01-07. Review status: criteria provided, single submitter. Criteria: GeneDx Variant Classification Process June 2021. Collection method: clinical testing. Allele origin: germline. Affected: yes.
Comment: Frameshift variant predicted to result in protein truncation or nonsense mediated decay in a gene for which loss-of-function is a known mechanism of disease; This variant is associated with the following publications: (PMID: 29722917, 32581362, 11536079, 31164056)

Fulgent Genetics
Classification: Pathogenic for Pseudoxanthoma elasticum, forme fruste; Autosomal recessive inherited pseudoxanthoma elasticum; Arterial calcification, generalized, of infancy, 2. Last evaluated: 2022-01-02. Review status: criteria provided, single submitter. Criteria: ACMG Guidelines, 2015. Collection method: clinical testing. Allele origin: unknown.

PXE International
Classification: Pathogenic for Autosomal recessive inherited pseudoxanthoma elasticum. Review status: criteria provided, single submitter. Criteria: Submitter's publication. Collection method: research. Allele origin: germline. Affected: yes. Observed: 2 variant alleles.

NIHR Bioresource Rare Diseases, University of Cambridge
Classification: Pathogenic for Disorder of eye. Last evaluated: 2015-01-01. Review status: no assertion criteria provided. Collection method: research. Allele origin: unknown. Affected: yes. Observed: 1 variant allele. Not counted in ClinVar's aggregate classification.
Comment: Undetermined rare ocular disorder with frequency of less than eight patients

Literature cited by the submitters: PubMed 11536079 (cited by Labcorp Genetics (formerly Invitae), Labcorp and NIHR Bioresource Rare Diseases, University of Cambridge); PubMed 17617515 (cited by Labcorp Genetics (formerly Invitae), Labcorp); PubMed 31164056 (cited by Labcorp Genetics (formerly Invitae), Labcorp); PubMed 28041643 (cited by NIHR Bioresource Rare Diseases, University of Cambridge).

NM_001171.6(ABCC6):c.4104del (p.Asp1368fs)

Gene: ABCC6 (ATP binding cassette subfamily C member 6; minus strand). Cytogenetic location: 16p13.11.
Variant type: Deletion.
Coding change: c.4104del on transcript NM_001171.6 (MANE Select); coding-DNA position 4104, one base deleted (C; older notation c.4104delC).
Protein change: p.Asp1368fs; shifts the reading frame from aspartic acid 1368.
Molecular consequence: frameshift variant. On other transcripts: non-coding transcript variant (1).
Genome position (GRCh38, 1-based): chr16:16,154,732, G deleted on the plus strand (C on the coding strand, the reverse complement: ABCC6 is on the minus strand). VCF-style (leftmost placement, unchanged base first): chr16-16154731-CG-C. GRCh37 (hg19) VCF-style: chr16-16248588-CG-C.
Other names: c.3762del, p.Asp1254fs (NM_001351800.1); c.4104delC (NM_001171.5); short protein forms D1254fs, D1368fs.
Identifiers: ClinVar variation 433350 (VCV000433350.12), dbSNP rs72664237, ClinGen allele CA278676811.